The following is an entry in ClinVar:

NM_020442.6(VARS2):c.1349del (p.Gly450fs)

Gene: VARS2 (valyl-tRNA synthetase 2, mitochondrial; plus strand). Cytogenetic location: 6p21.33.
Variant type: Deletion.
Coding change: c.1349del on transcript NM_020442.6 (MANE Select); coding-DNA position 1349, one base deleted (G; older notation c.1349delG).
Protein change: p.Gly450fs; shifts the reading frame from glycine 450.
Molecular consequence: frameshift variant.
Genome position (GRCh38, 1-based): chr6:30,920,388, G deleted; the last of 4 consecutive G bases (chr6:30,920,385-30,920,388); deleting any one gives the same sequence. VCF-style (leftmost placement, unchanged base first): chr6-30920384-TG-T. GRCh37 (hg19) VCF-style: chr6-30888161-TG-T.
Other names: c.929del, p.Gly310fs (NM_001167733.3); c.1439del, p.Gly480fs (NM_001167734.2); c.1436delG (NM_001167734.2); short protein forms G310fs, G450fs, G480fs.
Identifiers: ClinVar variation 3767165 (VCV003767165.1).

ClinVar aggregate classification (germline): Likely pathogenic (1 of 4 stars; one submission).

Conditions:
Combined oxidative phosphorylation defect type 20. Also called: Combined oxidative phosphorylation deficiency 20. Identifiers: Orphanet 420728, MedGen C4014660, MONDO:0014397, OMIM 615917.

Submission:

Service de Génétique Médicale, Centre Hospitalier Universitaire de Nice-Université Côte d'Azur
Classification: Likely pathogenic for Combined oxidative phosphorylation defect type 20. Last evaluated: 2024-02-27. Review status: criteria provided, single submitter. Criteria: ACMG Guidelines, 2015. Collection method: clinical testing. Allele origin: germline. Affected: yes.

Literature cited by the submitters: PubMed 38703036.